The following is an entry in ClinVar:

ClinVar aggregate classification (germline): Uncertain significance. Review status: criteria provided, multiple submitters, no conflicts (2 of 4 stars). 3 submissions from 3 submitters: Uncertain significance (3). Last evaluated 2025-09-08.

Conditions:
Progressive myoclonic epilepsy type 9. Identifiers: Orphanet 457265, MedGen C4225289, MONDO:0014685, OMIM 616540.
Lipodystrophy, partial, acquired, susceptibility to (APLD). Also called: APLD, SUSCEPTIBILITY TO. Identifiers: MedGen C3887501, MONDO:0100476, OMIM 608709.

Allele frequency attached by ClinVar (database versions not stated): TOPMed 0.00003; ExAC 0.00004; gnomAD 0.00004; ESP Exome Variant Server 0.00023.
gnomAD v4.1: 246 of 1,611,100 alleles (0.015%); highest among the groups gnomAD compares: Non-Finnish European, 0.02%; no homozygotes.

Submissions (3):

Labcorp Genetics (formerly Invitae), Labcorp
Classification: Uncertain significance for Progressive myoclonic epilepsy type 9; Lipodystrophy, partial, acquired, susceptibility to. Last evaluated: 2025-09-08. Review status: criteria provided, single submitter. Criteria: Invitae Variant Classification Sherloc (09022015). Collection method: clinical testing. Allele origin: germline.
Comment: This sequence change replaces glycine, which is neutral and non-polar, with cysteine, which is neutral and slightly polar, at codon 448 of the LMNB2 protein (p.Gly448Cys). This variant is present in population databases (rs376707935, gnomAD 0.01%). This variant has not been reported in the literature in individuals affected with LMNB2-related conditions. ClinVar contains an entry for this variant (Variation ID: 939351). An algorithm developed to predict the effect of missense changes on protein structure and function (PolyPhen-2) suggests that this variant is likely to be disruptive. In summary, the available evidence is currently insufficient to determine the role of this variant in disease. Therefore, it has been classified as a Variant of Uncertain Significance.

Ambry Genetics
Classification: Uncertain significance. Last evaluated: 2025-06-18. Review status: criteria provided, single submitter. Criteria: Ambry Variant Classification Scheme 2023. Collection method: clinical testing. Allele origin: germline.

Breakthrough Genomics
Classification: Uncertain significance. Review status: criteria provided, single submitter. Criteria: ACMG Guidelines, 2015. Collection method: not provided. Allele origin: germline. Inheritance: Autosomal recessive inheritance. Affected: yes.

NM_032737.4(LMNB2):c.1342G>T (p.Gly448Cys)

Gene: LMNB2 (lamin B2; minus strand). Cytogenetic location: 19p13.3.
Variant type: single nucleotide variant.
Coding change: c.1342G>T on transcript NM_032737.4 (MANE Select); coding-DNA position 1342, G replaced by T.
Protein change: p.Gly448Cys; replaces glycine 448 with cysteine.
Molecular consequence: missense variant.
Genome position (GRCh38, 1-based): chr19:2,433,966, C>A on the plus strand (G>T on the coding strand, the complement: LMNB2 is on the minus strand). VCF-style: chr19-2433966-C-A. GRCh37 (hg19) VCF-style: chr19-2433964-C-A.
Other names: c.1282G>T (NM_032737.2); short protein forms G448C.
Identifiers: ClinVar variation 939351 (VCV000939351.9), dbSNP rs376707935, ClinGen allele CA9067525.